The following is an entry in ClinVar:

NM_015046.7(SETX):c.998A>G (p.Asn333Ser)

Gene: SETX (senataxin; minus strand). Cytogenetic location: 9q34.13.
Variant type: single nucleotide variant.
Coding change: c.998A>G on transcript NM_015046.7 (MANE Select); coding-DNA position 998, A replaced by G.
Protein change: p.Asn333Ser; replaces asparagine 333 with serine.
Molecular consequence: missense variant.
Genome position (GRCh38, 1-based): chr9:132,331,289, T>C on the plus strand (A>G on the coding strand, the complement: SETX is on the minus strand). VCF-style: chr9-132331289-T-C. GRCh37 (hg19) VCF-style: chr9-135206676-T-C.
Other names: c.998A>G, p.Asn333Ser (NM_001351527.2, NM_001351528.2); c.998A>G (NM_015046.5); short protein forms N333S.
Identifiers: ClinVar variation 1473447 (VCV001473447.41), dbSNP rs538829833, ClinGen allele CA5297880.

ClinVar aggregate classification (germline): Conflicting classifications of pathogenicity. Review status: criteria provided, conflicting classifications (1 of 4 stars). 5 submissions from 4 submitters: Uncertain significance (4); Benign (1). Last evaluated 2025-05-27.

Conditions:
Amyotrophic lateral sclerosis type 4 (ALS4). Also called: AMYOTROPHIC LATERAL SCLEROSIS 4, JUVENILE; NEURONOPATHY, DISTAL HEREDITARY MOTOR, WITH PYRAMIDAL FEATURES. Identifiers: Orphanet 357043, MedGen C1865409, MONDO:0011223, OMIM 602433.
Spinocerebellar ataxia, autosomal recessive, with axonal neuropathy 2 (SCAN2). Also called: Ataxia with Oculomotor Apraxia; Ataxia with Oculomotor Apraxia Type 2; ATAXIA-OCULOMOTOR APRAXIA 2; Ataxia-ocular apraxia-2. Identifiers: Orphanet 64753, MedGen C1853761, MONDO:0018996, OMIM 606002.
SETX-related disorder. Also called: SETX-related condition; SETX-related disorders. Identifiers: MedGen CN239403.

Allele frequency attached by ClinVar (database versions not stated): gnomAD 0.00001 and 0.00005; ExAC 0.00004; gnomAD exomes 0.00005; TOPMed 0.00005; 1000 Genomes Project 0.00020; 1000 Genomes Project 30x 0.00031.
gnomAD v4.1: 61 of 1,614,138 alleles (0.0038%); highest among the groups gnomAD compares: East Asian, 0.062%; no homozygotes.

Submissions (5):

PreventionGenetics, part of Exact Sciences
Classification: Uncertain significance for SETX-related condition. Last evaluated: 2025-05-27. Review status: criteria provided, single submitter. Criteria: ACMG Guidelines, 2015. Collection method: clinical testing. Allele origin: germline.
Comment: The SETX c.998A>G variant is predicted to result in the amino acid substitution p.Asn333Ser. To our knowledge, this variant has not been reported in the literature. This variant is reported in 0.038% of alleles in individuals of East Asian descent in gnomAD. At this time, the clinical significance of this variant is uncertain due to the absence of conclusive functional and genetic evidence.

Labcorp Genetics (formerly Invitae), Labcorp
Classification: Benign for Amyotrophic lateral sclerosis type 4; Spinocerebellar ataxia, autosomal recessive, with axonal neuropathy 2. Last evaluated: 2024-01-04. Review status: criteria provided, single submitter. Criteria: Invitae Variant Classification Sherloc (09022015). Collection method: clinical testing. Allele origin: germline.

Genome-Nilou Lab
Classification: Uncertain significance for Spinocerebellar ataxia, autosomal recessive, with axonal neuropathy 2. Last evaluated: 2023-02-08. Review status: criteria provided, single submitter. Criteria: ACMG Guidelines, 2015. Collection method: clinical testing. Allele origin: germline.

Genome-Nilou Lab
Classification: Uncertain significance for Amyotrophic lateral sclerosis type 4. Last evaluated: 2023-02-08. Review status: criteria provided, single submitter. Criteria: ACMG Guidelines, 2015. Collection method: clinical testing. Allele origin: germline.

CeGaT Center for Human Genetics Tuebingen
Classification: Uncertain significance. Last evaluated: 2022-03-01. Review status: criteria provided, single submitter. Criteria: CeGaT Center For Human Genetics Tuebingen Variant Classification Criteria Version 2. Collection method: clinical testing. Allele origin: germline. Affected: yes. Observed: 1 variant allele.
Comment: SETX: PM2, BP4